The following is an entry in ClinVar:

ClinVar aggregate classification (germline): Likely pathogenic (1 of 4 stars; one submission).

Conditions:
Charcot-Marie-Tooth disease type 4. Also called: Charcot-Marie-Tooth disease, type IV; Charcot-Marie-Tooth, Type 4. Identifiers: Orphanet 64749, MedGen C4082197, MONDO:0018995.

Allele frequency attached by ClinVar (database versions not stated): gnomAD exomes below 0.00001; ExAC 0.00001.
gnomAD v4.1: 2 of 1,553,792 alleles (0.00013%); highest among the groups gnomAD compares: Non-Finnish European, 0.00018%; no homozygotes.

Submission:

Labcorp Genetics (formerly Invitae), Labcorp
Classification: Likely pathogenic for Charcot-Marie-Tooth disease type 4. Last evaluated: 2024-10-28. Review status: criteria provided, single submitter. Criteria: Invitae Variant Classification Sherloc (09022015). Collection method: clinical testing. Allele origin: germline.
Comment: This sequence change affects an acceptor splice site in intron 12 of the SBF2 gene. It is expected to disrupt RNA splicing. Variants that disrupt the donor or acceptor splice site typically lead to a loss of protein function (PMID: 16199547), and loss-of-function variants in SBF2 are known to be pathogenic (PMID: 12687498, 25873783). This variant is present in population databases (rs752649372, gnomAD 0.0009%). Disruption of this splice site has been observed in individual(s) with clinical features of Charcot-Marie-Tooth disease (internal data). ClinVar contains an entry for this variant (Variation ID: 582144). Algorithms developed to predict the effect of sequence changes on RNA splicing suggest that this variant may disrupt the consensus splice site. In summary, the currently available evidence indicates that the variant is pathogenic, but additional data are needed to prove that conclusively. Therefore, this variant has been classified as Likely Pathogenic.

Literature cited by the submitters: PubMed 16199547; PubMed 12687498; PubMed 25873783.

NM_030962.4(SBF2):c.1297-2A>G

Gene: SBF2 (SET binding factor 2; minus strand). Cytogenetic location: 11p15.4.
Variant type: single nucleotide variant.
Coding change: c.1297-2A>G on transcript NM_030962.4 (MANE Select); the canonical splice acceptor site of the intron before coding-DNA position 1297, A replaced by G.
Molecular consequence: splice acceptor variant.
Genome position (GRCh38, 1-based): chr11:9,989,597, T>C on the plus strand (A>G on the coding strand, the complement: SBF2 is on the minus strand). VCF-style: chr11-9989597-T-C. GRCh37 (hg19) VCF-style: chr11-10011144-T-C.
Other names: c.1168-2A>G (NM_001386342.1); c.1297-2A>G (NM_001386339.1).
Identifiers: ClinVar variation 582144 (VCV000582144.11), dbSNP rs752649372, ClinGen allele CA5881862.